The following is an entry in ClinVar:

Conditions:
Long QT syndrome 5 (LQT5). Identifiers: Orphanet 101016, Orphanet 768, MedGen C1867904, MONDO:0013372, OMIM 613695.

Submission:

Roden Lab, Vanderbilt University Medical Center
No classification provided (evidence only). Condition: Long QT syndrome 5. Review status: no classification provided. Collection method: in vitro. Allele origin: not applicable. Functional consequence: Effect on ion channel function.
ClinVar note: "not provided" was previously submitted as the classification for the variant. However, the classification appeared to be based only on an observation of functional data so it was converted to no classification on 2025-07-30.

NM_000219.6(KCNE1):c.73G>C (p.Gly25Arg)

Gene: KCNE1 (potassium voltage-gated channel subfamily E regulatory subunit 1; minus strand). Cytogenetic location: 21q22.12.
Variant type: single nucleotide variant.
Coding change: c.73G>C on transcript NM_000219.6 (MANE Select); coding-DNA position 73, G replaced by C.
Protein change: p.Gly25Arg; replaces glycine 25 with arginine.
Molecular consequence: missense variant.
Genome position (GRCh38, 1-based): chr21:34,449,562, C>G on the plus strand (G>C on the coding strand, the complement: KCNE1 is on the minus strand). VCF-style: chr21-34449562-C-G. GRCh37 (hg19) VCF-style: chr21-35821860-C-G.
Other names: c.73G>C, p.Gly25Arg (NM_001127668.4, NM_001127669.4, NM_001127670.4 and 4 more transcripts); short protein forms G25R.
Identifiers: ClinVar variation 3373975 (VCV003373975.2).